The following is an entry in ClinVar:

NM_198965.2(PTHLH):c.261C>A (p.Asn87Lys)

Gene: PTHLH (parathyroid hormone like hormone; minus strand). Cytogenetic location: 12p11.22.
Variant type: single nucleotide variant.
Coding change: c.261C>A on transcript NM_198965.2 (MANE Select); coding-DNA position 261, C replaced by A.
Protein change: p.Asn87Lys; replaces asparagine 87 with lysine.
Molecular consequence: missense variant.
Genome position (GRCh38, 1-based): chr12:27,963,611, G>T on the plus strand (C>A on the coding strand, the complement: PTHLH is on the minus strand). VCF-style: chr12-27963611-G-T. GRCh37 (hg19) VCF-style: chr12-28116544-G-T.
Other names: c.261C>A, p.Asn87Lys (NM_002820.3, NM_198964.2, NM_198966.2); short protein forms N87K.
Identifiers: ClinVar variation 2888524 (VCV002888524.3), dbSNP rs139412701, ClinGen allele CA6494938.

ClinVar aggregate classification (germline): Uncertain significance (1 of 4 stars; one submission).

Allele frequency attached by ClinVar (database versions not stated): ExAC 0.00001; gnomAD 0.00001; gnomAD exomes 0.00003; TOPMed 0.00003; ESP Exome Variant Server 0.00008.
gnomAD v4.1: 53 of 1,614,066 alleles (0.0033%); highest among the groups gnomAD compares: Non-Finnish European, 0.004%; no homozygotes.

Submission:

Labcorp Genetics (formerly Invitae), Labcorp
Classification: Uncertain significance. Last evaluated: 2023-07-22. Review status: criteria provided, single submitter. Criteria: Invitae Variant Classification Sherloc (09022015). Collection method: clinical testing. Allele origin: germline.
Comment: This variant is present in population databases (rs139412701, gnomAD 0.0009%). In summary, the available evidence is currently insufficient to determine the role of this variant in disease. Therefore, it has been classified as a Variant of Uncertain Significance. An algorithm developed to predict the effect of missense changes on protein structure and function (PolyPhen-2) suggests that this variant is likely to be tolerated. This variant has not been reported in the literature in individuals affected with PTHLH-related conditions. This sequence change replaces asparagine, which is neutral and polar, with lysine, which is basic and polar, at codon 87 of the PTHLH protein (p.Asn87Lys).